The following is an entry in ClinVar:

ClinVar aggregate classification (germline): Benign/Likely benign. Review status: criteria provided, multiple submitters, no conflicts (2 of 4 stars). 7 submissions from 7 submitters: Benign (2); Likely benign (4). 1 of the submissions does not count toward it. Last evaluated 2026-04-22.

Conditions:
MYH9-related disorder. Identifiers: MedGen C1854520.

Allele frequency attached by ClinVar (database versions not stated): gnomAD 0.00004 and 0.00013; TOPMed 0.00004; gnomAD exomes 0.00050; ExAC 0.00055; 1000 Genomes Project 30x 0.00078; 1000 Genomes Project 0.00080.
gnomAD v4.1: 467 of 1,613,786 alleles (0.029%); highest among the groups gnomAD compares: South Asian, 0.42%; 9 homozygotes.

Submissions (7):

Women's Health and Genetics/Laboratory Corporation of America, LabCorp
Classification: Likely benign. Last evaluated: 2026-04-22. Review status: criteria provided, single submitter. Criteria: LabCorp Variant Classification Summary - May 2015. Collection method: clinical testing. Allele origin: germline.
Comment: Variant summary: MYH9 c.3214G>A (p.Ala1072Thr) results in a non-conservative amino acid change in the encoded protein sequence. Algorithms developed to predict the effect of missense changes on protein structure and function are either unavailable or do not agree on the potential impact of this missense change. The variant allele was found at a frequency of 0.0005 in 250954 control chromosomes, predominantly at a frequency of 0.0039 within the South Asian subpopulation in the gnomAD database, including 1 homozygote. The observed variant frequency within South Asian control individuals in the gnomAD database exceeds the estimated maximal expected allele frequency for disease-causing variants in MYH9. To our knowledge, no occurrence of c.3214G>A in individuals affected with MYH9-related conditions and no experimental evidence demonstrating its impact on protein function have been reported. ClinVar contains an entry for this variant (Variation ID: 227606). Based on the evidence outlined above, the variant was classified as likely benign.

Labcorp Genetics (formerly Invitae), Labcorp
Classification: Benign. Last evaluated: 2026-01-14. Review status: criteria provided, single submitter. Criteria: Invitae Variant Classification Sherloc (09022015). Collection method: clinical testing. Allele origin: germline.

Blueprint Genetics
Classification: Benign. Last evaluated: 2024-11-07. Review status: criteria provided, single submitter. Criteria: ACMG Guidelines, 2015. Collection method: clinical testing. Allele origin: germline.

GeneDx
Classification: Likely benign. Last evaluated: 2020-11-24. Review status: criteria provided, single submitter. Criteria: GeneDx Variant Classification Process June 2021. Collection method: clinical testing. Allele origin: germline. Affected: yes.
Comment: In silico analysis supports that this missense variant does not alter protein structure/function; Has not been previously published as pathogenic or benign to our knowledge

Eurofins Ntd Llc (ga)
Classification: Likely benign. Last evaluated: 2016-07-14. Review status: criteria provided, single submitter. Criteria: EGL Classification Definitions 2015. Collection method: clinical testing. Allele origin: germline. Observed: 1 variant allele, 1 heterozygote.

Laboratory for Molecular Medicine, Mass General Brigham Personalized Medicine
Classification: Likely benign. Last evaluated: 2015-10-01. Review status: criteria provided, single submitter. Criteria: LMM Criteria. Collection method: clinical testing. Allele origin: germline. Observed: 2 variant alleles.
Comment: p.Ala1072Thr in exon 25 of MYH9: This variant is not expected to have clinical s ignificance because it has been identified in 0.38% (63/16406) of South Asian ch romosomes by the Exome Aggregation Consortium (ExAC. org; dbSNP rs532156048).

PreventionGenetics, part of Exact Sciences
Classification: Likely benign for MYH9-related condition. Last evaluated: 2023-06-07. Review status: no assertion criteria provided. Collection method: clinical testing. Allele origin: germline. Not counted in ClinVar's aggregate classification.
Comment: This variant is classified as likely benign based on ACMG/AMP sequence variant interpretation guidelines (Richards et al. 2015 PMID: 25741868, with internal and published modifications).

NM_002473.6(MYH9):c.3214G>A (p.Ala1072Thr)

Gene: MYH9 (myosin heavy chain 9; minus strand). Cytogenetic location: 22q12.3.
Variant type: single nucleotide variant.
Coding change: c.3214G>A on transcript NM_002473.6 (MANE Select); coding-DNA position 3214, G replaced by A.
Protein change: p.Ala1072Thr; replaces alanine 1072 with threonine.
Molecular consequence: missense variant.
Genome position (GRCh38, 1-based): chr22:36,296,901, C>T on the plus strand (G>A on the coding strand, the complement: MYH9 is on the minus strand). VCF-style: chr22-36296901-C-T. GRCh37 (hg19) VCF-style: chr22-36692947-C-T.
Other names: c.3214G>A (NM_002473.5); short protein forms A1072T.
Identifiers: ClinVar variation 227606 (VCV000227606.18), dbSNP rs532156048, ClinGen allele CA10209726.
Genomic context (GRCh38, chr22:36,296,901, plus strand): 5'-ACCTGGCCAGGGCGGCCTGGAGCTCCTCCTCTTTCTTGGCCAGCTGCATCTTGAGCTCCG[C>T]GATCTGGGCCTGGAGCTCGGCGATCTGGTCGCTGAGGTCTGTGGAGTCTCCCTCCAGCTT-3'
Protein context (NP_002464.1, residues 1062-1082): DQIAELQAQI[Ala1072Thr]ELKMQLAKKE